The following is an entry in ClinVar:

ClinVar aggregate classification (germline): Uncertain significance (1 of 4 stars; one submission).

Allele frequency attached by ClinVar (database versions not stated): gnomAD exomes below 0.00001; TOPMed below 0.00001; ExAC 0.00001; ESP Exome Variant Server 0.00008.
gnomAD v4.1: 4 of 1,614,090 alleles (0.00025%); highest among the groups gnomAD compares: Middle Eastern, 0.016%; no homozygotes.

Submission:

GeneDx
Classification: Uncertain significance. Last evaluated: 2019-11-04. Review status: criteria provided, single submitter. Criteria: GeneDx Variant Classification Process June 2021. Collection method: clinical testing. Allele origin: germline. Affected: yes.
Comment: Not observed in large population cohorts (Lek et al., 2016); In silico analysis, which includes protein predictors and evolutionary conservation, supports that this variant does not alter protein structure/function; In addition, in-silico analysis, which includes splice predictors and evolutionary conservation, is inconclusive as to whether the variant alters gene splicing. In the absence of RNA/functional studies, the actual effect of this sequence change is unknown.; Has not been previously published as pathogenic or benign to our knowledge

NM_003560.4(PLA2G6):c.2174A>G (p.Lys725Arg)

Gene: PLA2G6 (phospholipase A2 group VI; minus strand). Cytogenetic location: 22q13.1.
Variant type: single nucleotide variant.
Coding change: c.2174A>G on transcript NM_003560.4 (MANE Select); coding-DNA position 2174, A replaced by G.
Protein change: p.Lys725Arg; replaces lysine 725 with arginine.
Molecular consequence: missense variant.
Genome position (GRCh38, 1-based): chr22:38,113,515, T>C on the plus strand (A>G on the coding strand, the complement: PLA2G6 is on the minus strand). VCF-style: chr22-38113515-T-C. GRCh37 (hg19) VCF-style: chr22-38509522-T-C.
Other names: c.2012A>G, p.Lys671Arg (NM_001004426.3, NM_001199562.3, NM_001349865.2 and 1 more transcripts); c.2174A>G, p.Lys725Arg (NM_001349864.2); c.1640A>G, p.Lys547Arg (NM_001349867.2); c.1496A>G, p.Lys499Arg (NM_001349868.2); c.1478A>G, p.Lys493Arg (NM_001349869.2); short protein forms K493R, K499R, K547R, K671R, K725R.
Identifiers: ClinVar variation 1309731 (VCV001309731.2), dbSNP rs368468197, ClinGen allele CA10230591.
Genomic context (GRCh38, chr22:38,113,515, plus strand): 5'-GGAAGTGGCCTGGGGGAGGGGCCCACACTCACACAGTCCACCACCATCTTGCCCAGTTCC[T>C]TGGCCCCAAAAACAGTCTTGGCCAGCTCCCAGGGGTTGCTGGGACGGAAGACATCCACAC-3'
Protein context (NP_003551.2, residues 715-735): WELAKTVFGA[Lys725Arg]ELGKMVVDCC